The following is an entry in ClinVar:

ClinVar aggregate classification (germline): Uncertain significance. Review status: criteria provided, multiple submitters, no conflicts (2 of 4 stars). 3 submissions from 3 submitters: Uncertain significance (3). Last evaluated 2025-03-07.

Conditions:
Inborn genetic diseases. Identifiers: MedGen C0950123, MeSH D030342.
Brachydactyly type B1 (BDB1). Identifiers: Orphanet 572385, Orphanet 93383, MedGen C1862112, MONDO:0007220, OMIM 113000.
Autosomal recessive Robinow syndrome (RRS1). Also called: ROR2-Related Robinow Syndrome; COSTOVERTEBRAL SEGMENTATION DEFECT WITH MESOMELIA; COVESDEM SYNDROME; ROBINOW SYNDROME, AUTOSOMAL RECESSIVE 1. Identifiers: Orphanet 1507, Orphanet 97360, MedGen C5399974, MONDO:0009999, OMIM 268310.

Allele frequency attached by ClinVar (database versions not stated): gnomAD 0.00001; TOPMed 0.00001.
gnomAD v4.1: 36 of 1,538,082 alleles (0.0023%); highest among the groups gnomAD compares: Non-Finnish European, 0.0032%; no homozygotes.

Submissions (3):

Labcorp Genetics (formerly Invitae), Labcorp
Classification: Uncertain significance. Last evaluated: 2025-03-07. Review status: criteria provided, single submitter. Criteria: Invitae Variant Classification Sherloc (09022015). Collection method: clinical testing. Allele origin: germline.
Comment: This sequence change replaces proline, which is neutral and non-polar, with arginine, which is basic and polar, at codon 16 of the ROR2 protein (p.Pro16Arg). This variant is present in population databases (no rsID available, gnomAD 0.002%). This variant has not been reported in the literature in individuals affected with ROR2-related conditions. ClinVar contains an entry for this variant (Variation ID: 2515726). Invitae Evidence Modeling of protein sequence and biophysical properties (such as structural, functional, and spatial information, amino acid conservation, physicochemical variation, residue mobility, and thermodynamic stability) indicates that this missense variant is not expected to disrupt ROR2 protein function with a negative predictive value of 95%. In summary, the available evidence is currently insufficient to determine the role of this variant in disease. Therefore, it has been classified as a Variant of Uncertain Significance.

Fulgent Genetics
Classification: Uncertain significance for Brachydactyly type B1; Autosomal recessive Robinow syndrome. Last evaluated: 2024-04-08. Review status: criteria provided, single submitter. Criteria: ACMG Guidelines, 2015. Collection method: clinical testing. Allele origin: germline.

Ambry Genetics
Classification: Uncertain significance for Inborn genetic diseases. Last evaluated: 2023-03-22. Review status: criteria provided, single submitter. Criteria: Ambry Variant Classification Scheme 2023. Collection method: clinical testing. Allele origin: germline.

NM_004560.4(ROR2):c.47C>G (p.Pro16Arg)

Gene: ROR2 (receptor tyrosine kinase like orphan receptor 2; minus strand). Cytogenetic location: 9q22.31.
Variant type: single nucleotide variant.
Coding change: c.47C>G on transcript NM_004560.4 (MANE Select); coding-DNA position 47, C replaced by G.
Protein change: p.Pro16Arg; replaces proline 16 with arginine.
Molecular consequence: missense variant.
Genome position (GRCh38, 1-based): chr9:91,949,917, G>C on the plus strand (C>G on the coding strand, the complement: ROR2 is on the minus strand). VCF-style: chr9-91949917-G-C. GRCh37 (hg19) VCF-style: chr9-94712199-G-C.
Other names: c.47C>G, p.Pro16Arg (NM_001318204.2); short protein forms P16R.
Identifiers: ClinVar variation 2515726 (VCV002515726.4), dbSNP rs1373801601, ClinGen allele CA373841534.